The following is an entry in ClinVar:

ClinVar aggregate classification (germline): Benign/Likely benign. Review status: criteria provided, multiple submitters, no conflicts (2 of 4 stars). 8 submissions from 7 submitters: Benign (5); Likely benign (2). 1 of the submissions does not count toward it. Last evaluated 2026-06-22.

Conditions:
KCNT1-related disorder. Also called: KCNT1-related condition.
Inborn genetic diseases. Identifiers: MedGen C0950123, MeSH D030342.
Developmental and epileptic encephalopathy, 14 (DEE14). Also called: Early infantile epileptic encephalopathy 14. Identifiers: Orphanet 293181, MedGen C3554195, MONDO:0013989, OMIM 614959.
Autosomal dominant nocturnal frontal lobe epilepsy 5. Also called: CILIARY DYSKINESIA, PRIMARY, 28, WITHOUT SITUS INVERSUS; CILIARY DYSKINESIA, PRIMARY, 28, WITH SITUS INVERSUS; Epilepsy, nocturnal frontal lobe, 5; KCNT1-Related Epilepsy. Identifiers: Orphanet 98784, MedGen C3554306, MONDO:0014002, OMIM 615005.

Allele frequency attached by ClinVar (database versions not stated): ESP Exome Variant Server 0.00008; gnomAD 0.00055 and 0.00077; gnomAD exomes 0.00061 and 0.00194; TOPMed 0.00099; ExAC 0.00187; 1000 Genomes Project 30x 0.00390; 1000 Genomes Project 0.00399.
gnomAD v4.1: 1,002 of 1,613,870 alleles (0.062%); highest among the groups gnomAD compares: East Asian, 2.1%; 10 homozygotes.

Submissions (8):

PreventionGenetics, part of Exact Sciences
Classification: Benign for KCNT1-related condition. Last evaluated: 2026-06-22. Review status: criteria provided, single submitter. Criteria: ACMG Guidelines, 2015. Collection method: clinical testing. Allele origin: germline.
Comment: This variant is classified as benign based on ACMG/AMP sequence variant interpretation guidelines (Richards et al. 2015 PMID: 25741868, with internal and published modifications).

Labcorp Genetics (formerly Invitae), Labcorp
Classification: Benign for Autosomal dominant nocturnal frontal lobe epilepsy 5; Developmental and epileptic encephalopathy, 14. Last evaluated: 2026-01-12. Review status: criteria provided, single submitter. Criteria: Invitae Variant Classification Sherloc (09022015). Collection method: clinical testing. Allele origin: germline.

Genome-Nilou Lab
Classification: Benign for Developmental and epileptic encephalopathy, 14. Last evaluated: 2022-03-15. Review status: criteria provided, single submitter. Criteria: ACMG Guidelines, 2015. Collection method: clinical testing. Allele origin: germline. Affected: no.

Genome-Nilou Lab
Classification: Benign for Autosomal dominant nocturnal frontal lobe epilepsy 5. Last evaluated: 2022-03-15. Review status: criteria provided, single submitter. Criteria: ACMG Guidelines, 2015. Collection method: clinical testing. Allele origin: germline. Affected: no.

Fulgent Genetics
Classification: Likely benign for Developmental and epileptic encephalopathy, 14; Autosomal dominant nocturnal frontal lobe epilepsy 5. Last evaluated: 2021-08-10. Review status: criteria provided, single submitter. Criteria: ACMG Guidelines, 2015. Collection method: clinical testing. Allele origin: unknown.

Ambry Genetics
Classification: Likely benign for Inborn genetic diseases. Last evaluated: 2018-01-22. Review status: criteria provided, single submitter. Criteria: Ambry Variant Classification Scheme 2023. Collection method: clinical testing. Allele origin: germline.

GeneDx
Classification: Benign. Last evaluated: 2016-07-28. Review status: criteria provided, single submitter. Criteria: GeneDx Variant Classification (06012015). Collection method: clinical testing. Allele origin: germline. Affected: yes.
Comment: This variant is considered likely benign or benign based on one or more of the following criteria: it is a conservative change, it occurs at a poorly conserved position in the protein, it is predicted to be benign by multiple in silico algorithms, and/or has population frequency not consistent with disease.

Genetic Services Laboratory, University of Chicago
Classification: Likely benign for AllHighlyPenetrant. Review status: no assertion criteria provided. Collection method: clinical testing. Allele origin: germline. Inheritance: Autosomal dominant inheritance. Not counted in ClinVar's aggregate classification.
Comment: Likely benign based on allele frequency in 1000 Genomes Project or ESP global frequency and its presence in a patient with a rare or unrelated disease phenotype. NOT Sanger confirmed.

NM_020822.3(KCNT1):c.2619C>T (p.Gly873=)

Gene: KCNT1 (potassium sodium-activated channel subfamily T member 1; plus strand). Cytogenetic location: 9q34.3.
Variant type: single nucleotide variant.
Coding change: c.2619C>T on transcript NM_020822.3 (MANE Select); coding-DNA position 2619, C replaced by T.
Protein change: p.Gly873=; no amino-acid change (glycine 873 retained).
Molecular consequence: synonymous variant.
Genome position (GRCh38, 1-based): chr9:135,778,712, C>T. VCF-style: chr9-135778712-C-T. GRCh37 (hg19) VCF-style: chr9-138670558-C-T.
Other names: c.2484C>T, p.Gly828= (NM_001272003.2).
Identifiers: ClinVar variation 129359 (VCV000129359.20), dbSNP rs144659358, ClinGen allele CA153311.